The following is an entry in ClinVar:

NM_001104631.2(PDE4D):c.2018G>A (p.Gly673Asp)

Gene: PDE4D (phosphodiesterase 4D; minus strand). Cytogenetic location: 5q11.2.
Variant type: single nucleotide variant.
Coding change: c.2018G>A on transcript NM_001104631.2 (MANE Select); coding-DNA position 2018, G replaced by A.
Protein change: p.Gly673Asp; replaces glycine 673 with aspartic acid.
Molecular consequence: missense variant.
Genome position (GRCh38, 1-based): chr5:58,975,076, C>T on the plus strand (G>A on the coding strand, the complement: PDE4D is on the minus strand). VCF-style: chr5-58975076-C-T. GRCh37 (hg19) VCF-style: chr5-58270903-C-T.
Other names: c.1835G>A, p.Gly612Asp (NM_001165899.2, NM_001364599.1); c.1826G>A, p.Gly609Asp (NM_001197218.2); c.1652G>A, p.Gly551Asp (NM_001197219.2); c.1628G>A, p.Gly543Asp (NM_001197220.2); c.1112G>A, p.Gly371Asp (NM_001197221.2, NM_001364603.1); c.1346G>A, p.Gly449Asp (NM_001197222.2); c.1145G>A, p.Gly382Asp (NM_001197223.2); c.1805G>A, p.Gly602Asp (NM_001349241.2); and 3 more; short protein forms G673D, G612D, G551D, G563D, G602D, G609D, G417D, G449D.
Identifiers: ClinVar variation 30041 (VCV000030041.6), dbSNP rs397514469, ClinGen allele CA128858.

ClinVar aggregate classification (germline): Likely pathogenic. Review status: criteria provided, single submitter (1 of 4 stars). 2 submissions from 2 submitters: Likely pathogenic (1). 1 of the submissions does not count toward it. Last evaluated 2025-11-05.

Conditions:
Acrodysostosis 2 with or without hormone resistance. Also called: ACRODYSOSTOSIS 2 WITH HORMONE RESISTANCE; ACRODYSOSTOSIS 2 WITHOUT HORMONE RESISTANCE. Identifiers: Orphanet 280651, MedGen C3553250, MONDO:0013822, OMIM 614613.

Submissions (2):

Labcorp Genetics (formerly Invitae), Labcorp
Classification: Likely pathogenic. Last evaluated: 2025-11-05. Review status: criteria provided, single submitter. Criteria: Invitae Variant Classification Sherloc (09022015). Collection method: clinical testing. Allele origin: germline.
Comment: This sequence change replaces glycine, which is neutral and non-polar, with aspartic acid, which is acidic and polar, at codon 673 of the PDE4D protein (p.Gly673Asp). This variant is not present in population databases (gnomAD no frequency). This missense change has been observed in individuals with acrodysostosis (PMID: 22464252, 25064455; internal data). ClinVar contains an entry for this variant (Variation ID: 30041). Invitae Evidence Modeling of protein sequence and biophysical properties (such as structural, functional, and spatial information, amino acid conservation, physicochemical variation, residue mobility, and thermodynamic stability) indicates that this missense variant is expected to disrupt PDE4D protein function with a positive predictive value of 80%. In summary, the currently available evidence indicates that the variant is pathogenic, but additional data are needed to prove that conclusively. Therefore, this variant has been classified as Likely Pathogenic.

OMIM
Classification: Pathogenic for ACRODYSOSTOSIS 2 WITH HORMONE RESISTANCE. Last evaluated: 2001-01-01. Review status: no assertion criteria provided. Collection method: literature only. Allele origin: germline. Not counted in ClinVar's aggregate classification.

Literature cited by the submitters: PubMed 22464252 (cited by Labcorp Genetics (formerly Invitae), Labcorp); PubMed 25064455 (cited by Labcorp Genetics (formerly Invitae), Labcorp); PubMed 12121997 (cited by OMIM); PubMed 11200992 (cited by OMIM).